The following is an entry in ClinVar:

NC_000007.14:g.(?_128392911)_(128393755_?)del

Gene: IMPDH1 (inosine monophosphate dehydrogenase 1; minus strand). Cytogenetic location: 7q32.1.
Variant type: Deletion.
Identifiers: ClinVar variation 833275 (VCV000833275.9).

ClinVar aggregate classification (germline): Likely pathogenic (1 of 4 stars; one submission).

Submission:

Labcorp Genetics (formerly Invitae), Labcorp
Classification: Likely pathogenic. Last evaluated: 2022-03-29. Review status: criteria provided, single submitter. Criteria: Invitae Variant Classification Sherloc (09022015). Collection method: clinical testing. Allele origin: germline.
Comment: In summary, the currently available evidence indicates that the variant is pathogenic, but additional data are needed to prove that conclusively. Therefore, this variant has been classified as Likely Pathogenic. A similar copy number variant has been observed in individuals with clinical features of IMPDH1-related conditions (Invitae). This variant is a gross deletion of the genomic region encompassing exon(s) 17 of the IMPDH1 gene, which includes the termination codon. This deletion extends beyond the assayed region for this gene and therefore may encompass additional genes. While this deletion is not anticipated to lead to nonsense mediated decay, it is expected to alter mRNA translation or result in a truncated protein product.